The following is an entry in ClinVar:

NM_000187.4(HGD):c.553G>A (p.Gly185Arg)

Gene: HGD (homogentisate 1,2-dioxygenase; minus strand). Cytogenetic location: 3q13.33.
Variant type: single nucleotide variant.
Coding change: c.553G>A on transcript NM_000187.4 (MANE Select); coding-DNA position 553, G replaced by A.
Protein change: p.Gly185Arg; replaces glycine 185 with arginine.
Molecular consequence: missense variant.
Genome position (GRCh38, 1-based): chr3:120,646,363, C>T on the plus strand (G>A on the coding strand, the complement: HGD is on the minus strand). VCF-style: chr3-120646363-C-T. GRCh37 (hg19) VCF-style: chr3-120365210-C-T.
Other names: short protein forms G185R.
Identifiers: ClinVar variation 2627698 (VCV002627698.1), dbSNP rs2472698721, ClinGen allele CA354076838.
Genomic context (GRCh38, chr3:120,646,363, plus strand): 5'-CATAGACCTCCAAGATGTAGCCCCTGGTCTCCTCAAAGACATCTATGCTGAACCGCATTC[C>T]TCTCTGGAATGGAAAGCAGACACTGGTGTGCCCTCTGAAATCACAGCTGTAGTTATAAAG-3'
Protein context (NP_000178.2, residues 175-195): QPNEICVIQR[Gly185Arg]MRFSIDVFEE

ClinVar aggregate classification (germline): Pathogenic (0 of 4 stars; one submission).

Conditions:
Alkaptonuria (AKU). Also called: Alkaptonuric ochronosis; Homogentisic acidura; Alcaptonuria; HOMOGENTISIC ACID OXIDASE DEFICIENCY. Identifiers: Orphanet 56, MedGen C0002066, MONDO:0008753, OMIM 203500.

Submission:

Department Of Human Genetics, Institute Of Clinical And Translational Research, Biomedical Research Center, Slovak Academy Of Sciences
Classification: Pathogenic for Alkaptonuria. Review status: no assertion criteria provided. Collection method: research. Allele origin: germline. Inheritance: Autosomal recessive inheritance. Affected: yes. Observed: 1 variant allele.
Comment: The variant was originally described in AKU patient in PMID:30737480. It has been submitted to the HGD gene mutation database (DB-ID: AKU_00185).

Literature cited by the submitters: PubMed 30737480.